The following is an entry in ClinVar:

NM_018993.4(RIN2):c.1546C>G (p.Arg516Gly)

Gene: RIN2 (Ras and Rab interactor 2; plus strand). Cytogenetic location: 20p11.23.
Variant type: single nucleotide variant.
Coding change: c.1546C>G on transcript NM_018993.4 (MANE Select); coding-DNA position 1546, C replaced by G.
Protein change: p.Arg516Gly; replaces arginine 516 with glycine.
Molecular consequence: missense variant.
Genome position (GRCh38, 1-based): chr20:19,975,571, C>G. VCF-style: chr20-19975571-C-G. GRCh37 (hg19) VCF-style: chr20-19956215-C-G.
Other names: c.1693C>G, p.Arg565Gly (NM_001242581.2); c.928C>G, p.Arg310Gly (NM_001378238.1); c.1546C>G (NM_018993.3); short protein forms R310G, R516G, R565G.
Identifiers: ClinVar variation 2156512 (VCV002156512.3), dbSNP rs1228712462, ClinGen allele CA408362997.

ClinVar aggregate classification (germline): Uncertain significance. Review status: criteria provided, multiple submitters, no conflicts (2 of 4 stars). 2 submissions from 2 submitters: Uncertain significance (2). Last evaluated 2024-11-08.

Conditions:
Inborn genetic diseases. Identifiers: MedGen C0950123, MeSH D030342.

Allele frequency attached by ClinVar (database versions not stated): gnomAD 0.00001; TOPMed 0.00001.
gnomAD v4.1: 22 of 1,613,862 alleles (0.0014%); highest among the groups gnomAD compares: Non-Finnish European, 0.0016%; no homozygotes.

Submissions (2):

Ambry Genetics
Classification: Uncertain significance for Inborn genetic diseases. Last evaluated: 2024-11-08. Review status: criteria provided, single submitter. Criteria: Ambry Variant Classification Scheme 2023. Collection method: clinical testing. Allele origin: germline.

Labcorp Genetics (formerly Invitae), Labcorp
Classification: Uncertain significance. Last evaluated: 2024-10-29. Review status: criteria provided, single submitter. Criteria: Invitae Variant Classification Sherloc (09022015). Collection method: clinical testing. Allele origin: germline.
Comment: This sequence change replaces arginine, which is basic and polar, with glycine, which is neutral and non-polar, at codon 516 of the RIN2 protein (p.Arg516Gly). This variant is present in population databases (no rsID available, gnomAD 0.002%). This variant has not been reported in the literature in individuals affected with RIN2-related conditions. ClinVar contains an entry for this variant (Variation ID: 2156512). Experimental studies and prediction algorithms are not available or were not evaluated, and the functional significance of this variant is currently unknown. In summary, the available evidence is currently insufficient to determine the role of this variant in disease. Therefore, it has been classified as a Variant of Uncertain Significance.